The following is an entry in ClinVar:

NM_001111.5(ADAR):c.172G>A (p.Gly58Arg)

Gene: ADAR (adenosine deaminase RNA specific; minus strand). Cytogenetic location: 1q21.3.
Variant type: single nucleotide variant.
Coding change: c.172G>A on transcript NM_001111.5 (MANE Select); coding-DNA position 172, G replaced by A.
Protein change: p.Gly58Arg; replaces glycine 58 with arginine.
Molecular consequence: missense variant. On other transcripts: 5 prime UTR variant (6).
Genome position (GRCh38, 1-based): chr1:154,602,470, C>T on the plus strand (G>A on the coding strand, the complement: ADAR is on the minus strand). VCF-style: chr1-154602470-C-T. GRCh37 (hg19) VCF-style: chr1-154574946-C-T.
Other names: c.-714G>A (NM_001025107.3, NM_001193495.2, NM_001365048.1); c.199G>A, p.Gly67Arg (NM_001365045.1); c.-578G>A (NM_001365046.1, NM_001365047.1, NM_001365049.1); c.172G>A, p.Gly58Arg (NM_015840.4, NM_015841.4); short protein forms G58R, G67R.
Identifiers: ClinVar variation 1379215 (VCV001379215.8), dbSNP rs1208088462, ClinGen allele CA342606291.

ClinVar aggregate classification (germline): Uncertain significance (1 of 4 stars; one submission).

Conditions:
Symmetrical dyschromatosis of extremities (DSH). Also called: RETICULATE ACROPIGMENTATION OF DOHI; SYMMETRIC DYSCHROMATOSIS OF THE EXTREMITIES; DYSCHROMATOSIS SYMMETRICA HEREDITARIA 1; Dyschromatosis symmetrica hereditaria. Identifiers: Orphanet 41, MedGen C0406775, MONDO:0007483, OMIM 127400.
Aicardi-Goutieres syndrome 6 (AGS6). Identifiers: Orphanet 51, MedGen C3539013, MONDO:0014007, OMIM 615010.

Allele frequency attached by ClinVar (database versions not stated): gnomAD exomes below 0.00001; gnomAD 0.00002; TOPMed 0.00002.
gnomAD v4.1: 4 of 1,613,832 alleles (0.00025%); highest among the groups gnomAD compares: African/African-American, 0.0053%; no homozygotes.

Submission:

Labcorp Genetics (formerly Invitae), Labcorp
Classification: Uncertain significance for Aicardi-Goutieres syndrome 6; Symmetrical dyschromatosis of extremities. Last evaluated: 2025-11-25. Review status: criteria provided, single submitter. Criteria: Invitae Variant Classification Sherloc (09022015). Collection method: clinical testing. Allele origin: germline.
Comment: This sequence change replaces glycine, which is neutral and non-polar, with arginine, which is basic and polar, at codon 58 of the ADAR protein (p.Gly58Arg). This variant is present in population databases (no rsID available, gnomAD 0.02%). This variant has not been reported in the literature in individuals affected with ADAR-related conditions. ClinVar contains an entry for this variant (Variation ID: 1379215). An algorithm developed to predict the effect of missense changes on protein structure and function outputs the following: PolyPhen-2: "Benign". The arginine amino acid residue is found in multiple mammalian species, which suggests that this missense change does not adversely affect protein function. In summary, the available evidence is currently insufficient to determine the role of this variant in disease. Therefore, it has been classified as a Variant of Uncertain Significance.